The following is an entry in ClinVar:

NM_177438.3(DICER1):c.2649T>A (p.Val883=)

Gene: DICER1 (dicer 1, ribonuclease III; minus strand). Cytogenetic location: 14q32.13.
Variant type: single nucleotide variant.
Coding change: c.2649T>A on transcript NM_177438.3 (MANE Select); coding-DNA position 2649, T replaced by A.
Protein change: p.Val883=; no amino-acid change (valine 883 retained).
Molecular consequence: synonymous variant.
Genome position (GRCh38, 1-based): chr14:95,107,881, A>T on the plus strand (T>A on the coding strand, the complement: DICER1 is on the minus strand). VCF-style: chr14-95107881-A-T. GRCh37 (hg19) VCF-style: chr14-95574218-A-T.
Other names: c.2649T>A, p.Val883= (NM_001195573.1, NM_001271282.3, NM_001291628.2 and 1 more transcripts).
Identifiers: ClinVar variation 1055409 (VCV001055409.10), dbSNP rs981585657, ClinGen allele CA487844715.

ClinVar aggregate classification (germline): Uncertain significance (1 of 4 stars; one submission).

Conditions:
DICER1-related tumor predisposition. Also called: DICER1-related pleuropulmonary blastoma cancer predisposition syndrome; DICER1 syndrome. Identifiers: Orphanet 284343, MedGen C3839822, MONDO:0100216.

Submission:

Labcorp Genetics (formerly Invitae), Labcorp
Classification: Uncertain significance for DICER1-related tumor predisposition. Last evaluated: 2020-09-11. Review status: criteria provided, single submitter. Criteria: Invitae Variant Classification Sherloc (09022015). Collection method: clinical testing. Allele origin: germline.
Comment: This sequence change affects codon 883 of the DICER1 mRNA. It is a 'silent' change, meaning that it does not change the encoded amino acid sequence of the DICER1 protein. In summary, the available evidence is currently insufficient to determine the role of this variant in disease. Therefore, it has been classified as a Variant of Uncertain Significance. Algorithms developed to predict the effect of sequence changes on RNA splicing suggest that this variant may create or strengthen a splice site, but this prediction has not been confirmed by published transcriptional studies. This variant has not been reported in the literature in individuals with DICER1-related conditions. This variant is not present in population databases (ExAC no frequency).